The following is an entry in ClinVar:

ClinVar aggregate classification (germline): Uncertain significance (1 of 4 stars; one submission).

gnomAD v4.1: 7 of 1,613,618 alleles (0.00043%); highest among the groups gnomAD compares: Non-Finnish European, 0.00034%; no homozygotes.

Submission:

Labcorp Genetics (formerly Invitae), Labcorp
Classification: Uncertain significance. Last evaluated: 2022-12-06. Review status: criteria provided, single submitter. Criteria: Invitae Variant Classification Sherloc (09022015). Collection method: clinical testing. Allele origin: germline.
Comment: In summary, the available evidence is currently insufficient to determine the role of this variant in disease. Therefore, it has been classified as a Variant of Uncertain Significance. Algorithms developed to predict the effect of missense changes on protein structure and function are either unavailable or do not agree on the potential impact of this missense change (SIFT: "Deleterious"; PolyPhen-2: "Benign"; Align-GVGD: "Class C55"). ClinVar contains an entry for this variant (Variation ID: 1475459). This variant has not been reported in the literature in individuals affected with HMCN1-related conditions. This variant is not present in population databases (gnomAD no frequency). This sequence change replaces alanine, which is neutral and non-polar, with valine, which is neutral and non-polar, at codon 4891 of the HMCN1 protein (p.Ala4891Val).

NM_031935.3(HMCN1):c.14672C>T (p.Ala4891Val)

Gene: HMCN1 (hemicentin 1; plus strand). Cytogenetic location: 1q31.1.
Variant type: single nucleotide variant.
Coding change: c.14672C>T on transcript NM_031935.3 (MANE Select); coding-DNA position 14672, C replaced by T.
Protein change: p.Ala4891Val; replaces alanine 4891 with valine.
Molecular consequence: missense variant.
Genome position (GRCh38, 1-based): chr1:186,151,263, C>T. VCF-style: chr1-186151263-C-T. GRCh37 (hg19) VCF-style: chr1-186120395-C-T.
Other names: short protein forms A4891V.
Identifiers: ClinVar variation 1475459 (VCV001475459.6), dbSNP rs2102573780, ClinGen allele CA343919983.